The following is an entry in ClinVar:

NC_000005.9:g.(?_112102013)_(112102117_?)del

Gene: APC (APC regulator of Wnt signaling pathway; plus strand). Cytogenetic location: 5q22.2.
Variant type: Deletion.
Identifiers: ClinVar variation 2422167 (VCV002422167.4).

ClinVar aggregate classification (germline): Pathogenic (1 of 4 stars; one submission).

Conditions:
Familial adenomatous polyposis 1 (FAP1). Also called: FAMILIAL ADENOMATOUS POLYPOSIS 1, ATTENUATED; POLYPOSIS, ADENOMATOUS INTESTINAL. Identifiers: MedGen C2713442, MONDO:0021056, OMIM 175100. Disease mechanism: loss of function.

Submission:

Labcorp Genetics (formerly Invitae), Labcorp
Classification: Pathogenic for Familial adenomatous polyposis 1. Last evaluated: 2023-02-24. Review status: criteria provided, single submitter. Criteria: Invitae Variant Classification Sherloc (09022015). Collection method: clinical testing. Allele origin: germline.
Comment: For these reasons, this variant has been classified as Pathogenic. This variant is a gross deletion of the genomic region encompassing exon(s) 3 of the APC gene. This deletion is out-of-frame, and is expected to create a premature termination codon and result in an absent or disrupted protein product. Loss-of-function variants in APC are known to be pathogenic (PMID: 17963004, 20685668). This variant has not been reported in the literature in individuals affected with APC-related conditions.

Literature cited by the submitters: PubMed 17963004; PubMed 20685668.